The following is an entry in ClinVar:

ClinVar aggregate classification (germline): Uncertain significance (1 of 4 stars; one submission).

gnomAD v4.1: 15 of 1,537,058 alleles (0.00098%); highest among the groups gnomAD compares: South Asian, 0.0036%; no homozygotes.

Submission:

Ambry Genetics
Classification: Uncertain significance. Last evaluated: 2025-03-22. Review status: criteria provided, single submitter. Criteria: Ambry Variant Classification Scheme 2023. Collection method: clinical testing. Allele origin: germline.
Comment: The p.R636C variant (also known as c.1906C>T), located in coding exon 11 of the PALLD gene, results from a C to T substitution at nucleotide position 1906. The arginine at codon 636 is replaced by cysteine, an amino acid with highly dissimilar properties. This amino acid position is conserved. In addition, this alteration is predicted to be deleterious by in silico analysis. Based on the available evidence, the clinical significance of this variant remains unclear.

NM_001166108.2(PALLD):c.*92C>T

Genes: CBR4 (carbonyl reductase 4; minus strand), PALLD (palladin, cytoskeletal associated protein; plus strand). Cytogenetic location: 4q32.3.
Variant type: single nucleotide variant.
Coding change: c.*92C>T on transcript NM_001166108.2 (MANE Select); 92 bases downstream of the stop codon, C replaced by T.
Molecular consequence: 3 prime UTR variant. On other transcripts: missense variant (4).
Genome position (GRCh38, 1-based): chr4:168,926,272, C>T. VCF-style: chr4-168926272-C-T. GRCh37 (hg19) VCF-style: chr4-169847423-C-T.
Other names: c.2221C>T, p.Arg741Cys (NM_001166109.2); c.1906C>T, p.Arg636Cys (NM_001166110.2); c.*92C>T (NM_001367567.1, NM_001367570.1, NM_016081.4); c.1297C>T, p.Arg433Cys (NM_001367568.1); c.1246C>T, p.Arg416Cys (NM_001367569.1); short protein forms R433C, R416C, R636C, R741C.
Identifiers: ClinVar variation 3927509 (VCV003927509.1).